The following is an entry in ClinVar:

ClinVar aggregate classification (germline): Uncertain significance (1 of 4 stars; one submission).

Allele frequency attached by ClinVar (database versions not stated): TOPMed below 0.00001; ExAC 0.00001; gnomAD exomes 0.00001 and 0.00002; 1000 Genomes Project 0.00020; 1000 Genomes Project 30x 0.00031.
gnomAD v4.1: 29 of 1,613,364 alleles (0.0018%); highest among the groups gnomAD compares: South Asian, 0.011%; 1 homozygote.

Submission:

Labcorp Genetics (formerly Invitae), Labcorp
Classification: Uncertain significance. Last evaluated: 2026-01-12. Review status: criteria provided, single submitter. Criteria: Invitae Variant Classification Sherloc (09022015). Collection method: clinical testing. Allele origin: germline.
Comment: This sequence change creates a premature translational stop signal (p.Arg320*) in the ANKZF1 gene. It is expected to result in an absent or disrupted protein product. However, the current clinical and genetic evidence is not sufficient to establish whether loss-of-function variants in ANKZF1 cause disease. This variant is present in population databases (rs555146150, gnomAD 0.007%). This variant has not been reported in the literature in individuals affected with ANKZF1-related conditions. ClinVar contains an entry for this variant (Variation ID: 1494912). Algorithms developed to predict the effect of sequence changes on RNA splicing suggest that this variant may disrupt the consensus splice site. In summary, the available evidence is currently insufficient to determine the role of this variant in disease. Therefore, it has been classified as a Variant of Uncertain Significance.

NM_018089.3(ANKZF1):c.958C>T (p.Arg320Ter)

Gene: ANKZF1 (ankyrin repeat and zinc finger peptidyl tRNA hydrolase 1; plus strand). Cytogenetic location: 2q35.
Variant type: single nucleotide variant.
Coding change: c.958C>T on transcript NM_018089.3 (MANE Select); coding-DNA position 958, C replaced by T.
Protein change: p.Arg320Ter; replaces arginine 320 with a stop codon.
Molecular consequence: nonsense.
Genome position (GRCh38, 1-based): chr2:219,233,853, C>T. VCF-style: chr2-219233853-C-T. GRCh37 (hg19) VCF-style: chr2-220098575-C-T.
Other names: c.958C>T, p.Arg320Ter (NM_001042410.2); c.328C>T, p.Arg110Ter (NM_001282792.2); short protein forms R110*, R320*.
Identifiers: ClinVar variation 1494912 (VCV001494912.6), dbSNP rs555146150, ClinGen allele CA2120913.